The following is an entry in ClinVar:

NM_001330078.2(NRXN1):c.3266A>G (p.Glu1089Gly)

Gene: NRXN1 (neurexin 1; minus strand). Cytogenetic location: 2p16.3.
Variant type: single nucleotide variant.
Coding change: c.3266A>G on transcript NM_001330078.2 (MANE Select); coding-DNA position 3266, A replaced by G.
Protein change: p.Glu1089Gly; replaces glutamic acid 1089 with glycine.
Molecular consequence: missense variant.
Genome position (GRCh38, 1-based): chr2:50,465,540, T>C on the plus strand (A>G on the coding strand, the complement: NRXN1 is on the minus strand). VCF-style: chr2-50465540-T-C. GRCh37 (hg19) VCF-style: chr2-50692678-T-C.
Other names: c.3386A>G, p.Glu1129Gly (NM_001135659.3); c.3242A>G, p.Glu1081Gly (NM_001330077.2, NM_001330082.2); c.3200A>G, p.Glu1067Gly (NM_001330083.2, NM_001330084.2); c.3239A>G, p.Glu1080Gly (NM_001330085.2); c.3266A>G, p.Glu1089Gly (NM_001330086.2, NM_004801.6); c.3155A>G, p.Glu1052Gly (NM_001330087.2, NM_001330096.2); c.3185A>G, p.Glu1062Gly (NM_001330088.2); c.3263A>G, p.Glu1088Gly (NM_001330093.2); and 3 more; short protein forms E1052G, E1062G, E1067G, E1072G, E1080G, E1081G, E1085G, E1088G.
Identifiers: ClinVar variation 1316268 (VCV001316268.8), dbSNP rs746697390, ClinGen allele CA1654601.
Genomic context (GRCh38, chr2:50,465,540, plus strand): 5'-CAGTCACAGCTGAAGCCATCCCATTGTTGCAAGCACACACCTTGATTGGAACATGAGTCC[T>C]CTTGGCAGGTTGTGCTGGGCCCTGCAAAACAATCCAAAGGAAACTTGGGTTCTTTAAAAG-3'
Protein context (NP_001317007.1, residues 1079-1099): GCEGPSTTCQ[Glu1089Gly]DSCSNQGVCL

ClinVar aggregate classification (germline): Uncertain significance. Review status: criteria provided, multiple submitters, no conflicts (2 of 4 stars). 4 submissions from 4 submitters: Uncertain significance (4). Last evaluated 2025-03-03.

Conditions:
Pitt-Hopkins-like syndrome 2 (PTHSL2). Identifiers: Orphanet 221150, Orphanet 600663, MedGen C3280479, MONDO:0013690, OMIM 614325.
Inborn genetic diseases. Identifiers: MedGen C0950123, MeSH D030342.

Allele frequency attached by ClinVar (database versions not stated): gnomAD exomes 0.00001; TOPMed 0.00001; ExAC 0.00002.
gnomAD v4.1: 10 of 1,609,852 alleles (0.00062%); highest among the groups gnomAD compares: South Asian, 0.011%; no homozygotes.

Submissions (4):

Ambry Genetics
Classification: Uncertain significance for Inborn genetic diseases. Last evaluated: 2025-03-03. Review status: criteria provided, single submitter. Criteria: Ambry Variant Classification Scheme 2023. Collection method: clinical testing. Allele origin: germline.

Labcorp Genetics (formerly Invitae), Labcorp
Classification: Uncertain significance for Pitt-Hopkins-like syndrome 2. Last evaluated: 2024-09-27. Review status: criteria provided, single submitter. Criteria: Invitae Variant Classification Sherloc (09022015). Collection method: clinical testing. Allele origin: germline.
Comment: This sequence change replaces glutamic acid, which is acidic and polar, with glycine, which is neutral and non-polar, at codon 1129 of the NRXN1 protein (p.Glu1129Gly). This variant is present in population databases (rs746697390, gnomAD 0.007%). This variant has not been reported in the literature in individuals affected with NRXN1-related conditions. ClinVar contains an entry for this variant (Variation ID: 1316268). An algorithm developed to predict the effect of missense changes on protein structure and function (PolyPhen-2) suggests that this variant is likely to be disruptive. In summary, the available evidence is currently insufficient to determine the role of this variant in disease. Therefore, it has been classified as a Variant of Uncertain Significance.

Revvity Omics, Revvity
Classification: Uncertain significance for Pitt-Hopkins-like syndrome 2. Last evaluated: 2022-04-25. Review status: criteria provided, single submitter. Criteria: ACMG Guidelines, 2015. Collection method: clinical testing. Allele origin: germline.

GeneDx
Classification: Uncertain significance. Last evaluated: 2019-09-11. Review status: criteria provided, single submitter. Criteria: GeneDx Variant Classification Process June 2021. Collection method: clinical testing. Allele origin: germline. Affected: yes.
Comment: Not observed at a significant frequency in large population cohorts (Lek et al., 2016); In silico analysis, which includes protein predictors and evolutionary conservation, supports a deleterious effect; Has not been previously published as pathogenic or benign to our knowledge